The following is an entry in ClinVar:

NM_014225.6(PPP2R1A):c.1165G>A (p.Asp389Asn)

Gene: PPP2R1A (protein phosphatase 2 scaffold subunit Aalpha; plus strand). Cytogenetic location: 19q13.41.
Variant type: single nucleotide variant.
Coding change: c.1165G>A on transcript NM_014225.6 (MANE Select); coding-DNA position 1165, G replaced by A.
Protein change: p.Asp389Asn; replaces aspartic acid 389 with asparagine.
Molecular consequence: missense variant. On other transcripts: non-coding transcript variant (1).
Genome position (GRCh38, 1-based): chr19:52,219,727, G>A. VCF-style: chr19-52219727-G-A. GRCh37 (hg19) VCF-style: chr19-52722980-G-A.
Other names: c.628G>A, p.Asp210Asn (NM_001363656.2); short protein forms D210N, D389N.
Identifiers: ClinVar variation 1385051 (VCV001385051.6), dbSNP rs2122360256, ClinGen allele CA407189217.

ClinVar aggregate classification (germline): Uncertain significance (1 of 4 stars; one submission).

Submission:

Labcorp Genetics (formerly Invitae), Labcorp
Classification: Uncertain significance. Last evaluated: 2021-10-08. Review status: criteria provided, single submitter. Criteria: Invitae Variant Classification Sherloc (09022015). Collection method: clinical testing. Allele origin: germline.
Comment: In summary, the available evidence is currently insufficient to determine the role of this variant in disease. Therefore, it has been classified as a Variant of Uncertain Significance. Algorithms developed to predict the effect of missense changes on protein structure and function (SIFT, PolyPhen-2, Align-GVGD) all suggest that this variant is likely to be tolerated. This variant has not been reported in the literature in individuals affected with PPP2R1A-related conditions. This variant is not present in population databases (ExAC no frequency). This sequence change replaces aspartic acid with asparagine at codon 389 of the PPP2R1A protein (p.Asp389Asn). The aspartic acid residue is highly conserved and there is a small physicochemical difference between aspartic acid and asparagine.